The following is an entry in ClinVar:

ClinVar aggregate classification (germline): Pathogenic (1 of 4 stars; one submission).

Conditions:
Peroxisome biogenesis disorder 9B. Also called: PEX7-Related Refsum Disease; Refsum disease, adult, 2; PEROXISOME BIOGENESIS DISORDER, PEX7-RELATED, ATYPICAL. Identifiers: Orphanet 773, MedGen C2749346, MONDO:0013945, OMIM 614879.

Submission:

Labcorp Genetics (formerly Invitae), Labcorp
Classification: Pathogenic for Peroxisome biogenesis disorder 9B. Last evaluated: 2023-02-08. Review status: criteria provided, single submitter. Criteria: Invitae Variant Classification Sherloc (09022015). Collection method: clinical testing. Allele origin: germline.
Comment: Algorithms developed to predict the effect of sequence changes on RNA splicing suggest that this variant may disrupt the consensus splice site. This variant has not been reported in the literature in individuals affected with PEX7-related conditions. This variant is not present in population databases (gnomAD no frequency). This sequence change creates a premature translational stop signal (p.Ser251Phefs*14) in the PEX7 gene. It is expected to result in an absent or disrupted protein product. Loss-of-function variants in PEX7 are known to be pathogenic (PMID: 12325024, 12522768, 20301447). For these reasons, this variant has been classified as Pathogenic.

Literature cited by the submitters: PubMed 12325024; PubMed 12522768; PubMed 20301447.

NM_000288.4(PEX7):c.751dup (p.Ser251fs)

Gene: PEX7 (peroxisomal biogenesis factor 7; plus strand). Cytogenetic location: 6q23.3.
Variant type: Duplication.
Coding change: c.751dup on transcript NM_000288.4 (MANE Select); coding-DNA position 751, one base duplicated (T; older notation c.751dupT).
Protein change: p.Ser251fs; shifts the reading frame from serine 251.
Molecular consequence: frameshift variant.
Genome position (GRCh38, 1-based): chr6:136,872,201, T duplicated; the last of 4 consecutive T bases (chr6:136,872,198-136,872,201); duplicating any one gives the same sequence. VCF-style (leftmost placement, unchanged base first): chr6-136872197-G-GT. GRCh37 (hg19) VCF-style: chr6-137193335-G-GT.
Other names: c.637dup, p.Ser213fs (NM_001410945.1); short protein forms S251fs, S213fs.
Identifiers: ClinVar variation 2835308 (VCV002835308.3), dbSNP rs2548096558, ClinGen allele CA2739266181.